The following is an entry in ClinVar:

ClinVar aggregate classification (germline): Conflicting classifications of pathogenicity. Review status: criteria provided, conflicting classifications (1 of 4 stars). 2 submissions from 2 submitters: Uncertain significance (1); Likely benign (1). Last evaluated 2025-02-03.

Conditions:
Inborn genetic diseases. Identifiers: MedGen C0950123, MeSH D030342.
Primary ciliary dyskinesia. Also called: Ciliary dyskinesia. Identifiers: Orphanet 244, MedGen C0008780, MONDO:0016575, HP:0012265.

Allele frequency attached by ClinVar (database versions not stated): gnomAD 0.00001; ExAC 0.00002; TOPMed 0.00002; 1000 Genomes Project 30x 0.00016; 1000 Genomes Project 0.00020.

Submissions (2):

Labcorp Genetics (formerly Invitae), Labcorp
Classification: Uncertain significance for Primary ciliary dyskinesia. Last evaluated: 2025-02-03. Review status: criteria provided, single submitter. Criteria: Invitae Variant Classification Sherloc (09022015). Collection method: clinical testing. Allele origin: germline.
Comment: This sequence change replaces arginine, which is basic and polar, with glutamine, which is neutral and polar, at codon 373 of the ZMYND10 protein (p.Arg373Gln). This variant is present in population databases (rs373018717, gnomAD 0.01%). This variant has not been reported in the literature in individuals affected with ZMYND10-related conditions. ClinVar contains an entry for this variant (Variation ID: 577056). Invitae Evidence Modeling of protein sequence and biophysical properties (such as structural, functional, and spatial information, amino acid conservation, physicochemical variation, residue mobility, and thermodynamic stability) indicates that this missense variant is not expected to disrupt ZMYND10 protein function with a negative predictive value of 80%. In summary, the available evidence is currently insufficient to determine the role of this variant in disease. Therefore, it has been classified as a Variant of Uncertain Significance.

Ambry Genetics
Classification: Likely benign for Inborn genetic diseases. Last evaluated: 2024-04-24. Review status: criteria provided, single submitter. Criteria: Ambry Variant Classification Scheme 2023. Collection method: clinical testing. Allele origin: germline.

NM_015896.4(ZMYND10):c.1118G>A (p.Arg373Gln)

Gene: ZMYND10 (zinc finger MYND-type containing 10; minus strand). Cytogenetic location: 3p21.31.
Variant type: single nucleotide variant.
Coding change: c.1118G>A on transcript NM_015896.4 (MANE Select); coding-DNA position 1118, G replaced by A.
Protein change: p.Arg373Gln; replaces arginine 373 with glutamine.
Molecular consequence: missense variant.
Genome position (GRCh38, 1-based): chr3:50,341,813, C>T on the plus strand (G>A on the coding strand, the complement: ZMYND10 is on the minus strand). VCF-style: chr3-50341813-C-T. GRCh37 (hg19) VCF-style: chr3-50379244-C-T.
Other names: c.1103G>A, p.Arg368Gln (NM_001308379.2); short protein forms R373Q, R368Q.
Identifiers: ClinVar variation 577056 (VCV000577056.9), dbSNP rs373018717, ClinGen allele CA2416992.